The following is an entry in ClinVar:

ClinVar aggregate classification (germline): Uncertain significance. Review status: criteria provided, multiple submitters, no conflicts (2 of 4 stars). 2 submissions from 2 submitters: Uncertain significance (2). Last evaluated 2025-05-29.

Conditions:
TTN-related disorder. Also called: TTN-related condition; TTN-related disease; TTN-related disorders.

gnomAD v4.1: 3 of 1,606,566 alleles (0.00019%); highest among the groups gnomAD compares: Non-Finnish European, 0.00025%; no homozygotes.

Submissions (2):

PreventionGenetics, part of Exact Sciences
Classification: Uncertain significance for TTN-related condition. Last evaluated: 2025-05-29. Review status: criteria provided, single submitter. Criteria: ACMG Guidelines, 2015. Collection method: clinical testing. Allele origin: germline.
Comment: The TTN c.59928T>A variant is predicted to result in the amino acid substitution p.His19976Gln. To our knowledge, this variant has not been reported in the literature. This variant is reported in 0.0065% of alleles in individuals of European (non-Finnish) descent in gnomAD. At this time, the clinical significance of this variant is uncertain due to the absence of conclusive functional and genetic evidence.

GeneDx
Classification: Uncertain significance. Last evaluated: 2024-05-10. Review status: criteria provided, single submitter. Criteria: GeneDx Variant Classification Process June 2021. Collection method: clinical testing. Allele origin: germline. Affected: yes.
Comment: Not observed at significant frequency in large population cohorts (gnomAD); Missense variant in a gene in which most reported pathogenic variants are truncating/loss of function; Has not been previously published as pathogenic or benign to our knowledge

NM_001267550.2(TTN):c.59928T>A (p.His19976Gln)

Genes: TTN (titin; minus strand), TTN-AS1 (TTN antisense RNA 1; plus strand), LOC126806424 (CDK7 strongly-dependent group 2 enhancer GRCh37_chr2:179456337-179457536; plus strand). Cytogenetic location: 2q31.2.
Variant type: single nucleotide variant.
Coding change: c.59928T>A on transcript NM_001267550.2 (MANE Select); coding-DNA position 59928, T replaced by A.
Protein change: p.His19976Gln; replaces histidine 19976 with glutamine.
Molecular consequence: missense variant.
Genome position (GRCh38, 1-based): chr2:178,591,891, A>T on the plus strand (T>A on the coding strand, the complement: TTN is on the minus strand). VCF-style: chr2-178591891-A-T. GRCh37 (hg19) VCF-style: chr2-179456618-A-T.
Other names: c.55005T>A, p.His18335Gln (NM_001256850.1); c.32733T>A, p.His10911Gln (NM_003319.4); c.52224T>A, p.His17408Gln (NM_133378.4); c.33108T>A, p.His11036Gln (NM_133432.3); c.33309T>A, p.His11103Gln (NM_133437.4); short protein forms H10911Q, H11036Q, H11103Q, H17408Q, H18335Q, H19976Q.
Identifiers: ClinVar variation 3375603 (VCV003375603.2).